The following is an entry in ClinVar:

NM_017780.4(CHD7):c.4275C>T (p.Phe1425=)

Gene: CHD7 (chromodomain helicase DNA binding protein 7; plus strand). Cytogenetic location: 8q12.2.
Variant type: single nucleotide variant.
Coding change: c.4275C>T on transcript NM_017780.4 (MANE Select); coding-DNA position 4275, C replaced by T.
Protein change: p.Phe1425=; no amino-acid change (phenylalanine 1425 retained).
Molecular consequence: synonymous variant. On other transcripts: intron variant (1).
Genome position (GRCh38, 1-based): chr8:60,837,757, C>T. VCF-style: chr8-60837757-C-T. GRCh37 (hg19) VCF-style: chr8-61750316-C-T.
Other names: c.1717-24472C>T (NM_001316690.1).
Identifiers: ClinVar variation 804693 (VCV000804693.39), dbSNP rs368919638, ClinGen allele CA4760106.

ClinVar aggregate classification (germline): Conflicting classifications of pathogenicity. Review status: criteria provided, conflicting classifications (1 of 4 stars). 7 submissions from 7 submitters: Uncertain significance (1); Likely benign (6). Last evaluated 2026-03-01.

Conditions:
Inborn genetic diseases. Identifiers: MedGen C0950123, MeSH D030342.
Hypogonadotropic hypogonadism 5 with or without anosmia (KAL5). Also called: HYPOGONADOTROPIC HYPOGONADISM 5 WITH ANOSMIA; HYPOGONADOTROPHIC HYPOGONADISM 5 WITHOUT ANOSMIA; CHD7-Related GnRH Deficiency (Kallmann Syndrome 5). Identifiers: Orphanet 478, MedGen C3552553, MONDO:0012880, OMIM 612370. Disease mechanism: loss of function.
CHARGE syndrome (CHARGE). Also called: Hittner Hirsch Kreh syndrome; CHARGE ASSOCIATION--COLOBOMA, HEART ANOMALY, CHOANAL ATRESIA, RETARDATION, GENITAL AND EAR ANOMALIES; Coloboma, heart anomaly, choanal atresia, retardation, genital and ear anomalies; CHARGE association; Hall-Hittner syndrome. Identifiers: Orphanet 138, MedGen C0265354, MONDO:0008965.

Allele frequency attached by ClinVar (database versions not stated): gnomAD exomes 0.00004 and 0.00007; gnomAD 0.00005 and 0.00006; TOPMed 0.00006; ESP Exome Variant Server 0.00008; ExAC 0.00011.
gnomAD v4.1: 79 of 1,612,762 alleles (0.0049%); highest among the groups gnomAD compares: Middle Eastern, 0.082%; no homozygotes.

Submissions (7):

CeGaT Center for Human Genetics Tuebingen
Classification: Likely benign. Last evaluated: 2026-03-01. Review status: criteria provided, single submitter. Criteria: CeGaT Center For Human Genetics Tuebingen Variant Classification Criteria Version 2. Collection method: clinical testing. Allele origin: germline. Affected: yes. Observed: 3 variant alleles.
Comment: CHD7: BP4, BP7

Labcorp Genetics (formerly Invitae), Labcorp
Classification: Likely benign for CHARGE syndrome. Last evaluated: 2025-08-15. Review status: criteria provided, single submitter. Criteria: Invitae Variant Classification Sherloc (09022015). Collection method: clinical testing. Allele origin: germline.

Ambry Genetics
Classification: Likely benign for Inborn genetic diseases. Last evaluated: 2024-10-15. Review status: criteria provided, single submitter. Criteria: Ambry Variant Classification Scheme 2023. Collection method: clinical testing. Allele origin: germline.

Blueprint Genetics
Classification: Likely benign. Last evaluated: 2023-12-01. Review status: criteria provided, single submitter. Criteria: ACMG Guidelines, 2015. Collection method: clinical testing. Allele origin: germline.

GeneDx
Classification: Likely benign. Last evaluated: 2020-05-14. Review status: criteria provided, single submitter. Criteria: GeneDx Variant Classification Process June 2021. Collection method: clinical testing. Allele origin: germline. Affected: yes.

Athena Diagnostics
Classification: Likely benign. Last evaluated: 2019-02-19. Review status: criteria provided, single submitter. Criteria: Athena Diagnostics Criteria. Collection method: clinical testing. Allele origin: germline.

Illumina Laboratory Services, Illumina
Classification: Uncertain significance for Kallmann Syndrome 5. Last evaluated: 2018-01-12. Review status: criteria provided, single submitter. Criteria: ICSL Variant Classification Criteria 13 December 2019. Collection method: clinical testing. Allele origin: germline.